The following is an entry in ClinVar:

ClinVar aggregate classification (germline): Conflicting classifications of pathogenicity. Review status: criteria provided, conflicting classifications (1 of 4 stars). 6 submissions from 6 submitters: Uncertain significance (1); Benign (1); Likely benign (3). 1 of the submissions does not count toward it. Last evaluated 2025-12-02.

Conditions:
COL6A3-related disorder. Also called: COL6A3-related disorders; COL6A3-related condition.
Collagen 6-related myopathy. Identifiers: MedGen CN117976, MONDO:0100225.
Bethlem myopathy 1A. Also called: Bethlem Muscular Dystrophy; MYOPATHY, BENIGN CONGENITAL, WITH CONTRACTURES; Bethlem myopathy 1. Identifiers: Orphanet 610, MedGen CN029274, MONDO:0024530, OMIM 158810.

Allele frequency attached by ClinVar (database versions not stated): gnomAD exomes 0.00020; ExAC 0.00026; TOPMed 0.00096; 1000 Genomes Project 0.00200; 1000 Genomes Project 30x 0.00203; gnomAD 0.00066 and 0.00072; ESP Exome Variant Server 0.00092.
gnomAD v4.1: 219 of 1,614,166 alleles (0.014%); highest among the groups gnomAD compares: African/African-American, 0.26%; 1 homozygote.

Submissions (6):

Labcorp Genetics (formerly Invitae), Labcorp
Classification: Likely benign for Bethlem myopathy 1A. Last evaluated: 2025-12-02. Review status: criteria provided, single submitter. Criteria: Invitae Variant Classification Sherloc (09022015). Collection method: clinical testing. Allele origin: germline.

Revvity Omics, Revvity
Classification: Likely benign. Last evaluated: 2025-05-12. Review status: criteria provided, single submitter. Criteria: ACMG Guidelines, 2015. Collection method: clinical testing. Allele origin: germline.

GeneDx
Classification: Likely benign. Last evaluated: 2020-01-20. Review status: criteria provided, single submitter. Criteria: GeneDx Variant Classification Process June 2021. Collection method: clinical testing. Allele origin: germline. Affected: yes.

Eurofins Ntd Llc (ga)
Classification: Uncertain significance. Last evaluated: 2018-06-26. Review status: criteria provided, single submitter. Criteria: EGL ClinVar v180209 classification definitions. Collection method: clinical testing. Allele origin: germline. Observed: 3 variant alleles, 3 heterozygotes.

Illumina Laboratory Services, Illumina
Classification: Benign for Collagen VI-related myopathy. Last evaluated: 2018-01-13. Review status: criteria provided, single submitter. Criteria: ICSL Variant Classification Criteria 13 December 2019. Collection method: clinical testing. Allele origin: germline.
Comment: This variant was observed in the ICSL laboratory as part of a predisposition screen in an ostensibly healthy population. It had not been previously curated by ICSL or reported in the Human Gene Mutation Database (HGMD: prior to June 1st, 2018), and was therefore a candidate for classification through an automated scoring system. Utilizing variant allele frequency, disease prevalence and penetrance estimates, and inheritance mode, an automated score was calculated to assess if this variant is too frequent to cause the disease. Based on the score and internal cut-off values, a variant classified as benign is not then subjected to further curation. The score for this variant resulted in a classification of benign for this disease.

PreventionGenetics, part of Exact Sciences
Classification: Likely benign for COL6A3-related condition. Last evaluated: 2023-05-22. Review status: no assertion criteria provided. Collection method: clinical testing. Allele origin: germline. Not counted in ClinVar's aggregate classification.
Comment: This variant is classified as likely benign based on ACMG/AMP sequence variant interpretation guidelines (Richards et al. 2015 PMID: 25741868, with internal and published modifications).

NM_004369.4(COL6A3):c.7849G>A (p.Asp2617Asn)

Gene: COL6A3 (collagen type VI alpha 3 chain; minus strand). Cytogenetic location: 2q37.3.
Variant type: single nucleotide variant.
Coding change: c.7849G>A on transcript NM_004369.4 (MANE Select); coding-DNA position 7849, G replaced by A.
Protein change: p.Asp2617Asn; replaces aspartic acid 2617 with asparagine.
Molecular consequence: missense variant.
Genome position (GRCh38, 1-based): chr2:237,341,067, C>T on the plus strand (G>A on the coding strand, the complement: COL6A3 is on the minus strand). VCF-style: chr2-237341067-C-T. GRCh37 (hg19) VCF-style: chr2-238249710-C-T.
Other names: c.6028G>A, p.Asp2010Asn (NM_057166.5); c.7231G>A, p.Asp2411Asn (NM_057167.4); short protein forms D2617N, D2411N, D2010N.
Identifiers: ClinVar variation 285313 (VCV000285313.26), dbSNP rs138285547, ClinGen allele CA2187679.